The following is an entry in ClinVar:

NM_003742.4(ABCB11):c.1165G>A (p.Ala389Thr)

Gene: ABCB11 (ATP binding cassette subfamily B member 11; minus strand). Cytogenetic location: 2q31.1.
Variant type: single nucleotide variant.
Coding change: c.1165G>A on transcript NM_003742.4 (MANE Select); coding-DNA position 1165, G replaced by A.
Protein change: p.Ala389Thr; replaces alanine 389 with threonine.
Molecular consequence: missense variant.
Genome position (GRCh38, 1-based): chr2:168,979,898, C>T on the plus strand (G>A on the coding strand, the complement: ABCB11 is on the minus strand). VCF-style: chr2-168979898-C-T. GRCh37 (hg19) VCF-style: chr2-169836408-C-T.
Other names: short protein forms A389T.
Identifiers: ClinVar variation 4845944 (VCV004845944.1).

ClinVar aggregate classification (germline): Uncertain significance (1 of 4 stars; one submission).

Conditions:
Familial intrahepatic cholestasis. Identifiers: Orphanet 284385, MedGen CN296401, MONDO:0017290.

Submission:

Genomenon, Inc
Classification: Uncertain significance for Familial intrahepatic cholestasis. Last evaluated: 2026-04-14. Review status: criteria provided, single submitter. Criteria: Genomenon Sequence Variant Interpretation Standards - Updated. Collection method: curation. Allele origin: germline. Affected: yes.
Comment: ABCB11 p.Ala389Thr (c.1165G>A) is a missense variant that changes the amino acid at residue 389 from Alanine to Threonine. This variant has been observed in at least one proband with an ABCB11-related disorder (PMID:32808743). It is absent or not present at a significant frequency in gnomAD. In silico models predict that this variant is possibly or probably damaging. In conclusion, we classify ABCB11 p.Ala389Thr (c.1165G>A) as a variant of uncertain significance.

Literature cited by the submitters: PubMed 32808743.